The following is an entry in ClinVar:

ClinVar aggregate classification (germline): Uncertain significance. Review status: criteria provided, multiple submitters, no conflicts (2 of 4 stars). 3 submissions from 3 submitters: Uncertain significance (2). 1 of the submissions does not count toward it. Last evaluated 2026-07-31.

Conditions:
Gastric cancer. Also called: Malignant tumor of stomach; Stomach cancer. Identifiers: MedGen C0024623, MeSH D013274, MONDO:0001056, OMIM 613659, HP:0012126.
Hereditary cancer-predisposing syndrome. Also called: Hereditary Cancer Syndrome; Hereditary neoplastic syndrome; Neoplastic Syndromes, Hereditary; Tumor predisposition. Identifiers: Orphanet 140162, MedGen C0027672, MeSH D009386, MONDO:0015356.

Submissions (3):

Ambry Genetics
Classification: Uncertain significance for Hereditary cancer-predisposing syndrome. Last evaluated: 2026-07-31. Review status: criteria provided, single submitter. Criteria: Ambry Variant Classification Scheme 2023. Collection method: clinical testing. Allele origin: germline.
Comment: The c.760_763dupAGCC variant, located in coding exon 2 of the HOXB13 gene, results from a duplication of AGCC at nucleotide position 760, causing a translational frameshift with a predicted alternate stop codon (p.L255Qfs*68). This variant occurs at the 3' terminus of the gene and is not expected to trigger nonsense-mediated mRNA decay. Based on the available evidence, the clinical significance of this variant remains unclear.

Labcorp Genetics (formerly Invitae), Labcorp
Classification: Uncertain significance. Last evaluated: 2022-03-16. Review status: criteria provided, single submitter. Criteria: Invitae Variant Classification Sherloc (09022015). Collection method: clinical testing. Allele origin: germline.
Comment: In summary, the available evidence is currently insufficient to determine the role of this variant in disease. Therefore, it has been classified as a Variant of Uncertain Significance. Experimental studies and prediction algorithms are not available or were not evaluated, and the functional significance of this variant is currently unknown. This variant has not been reported in the literature in individuals affected with HOXB13-related conditions. This variant is not present in population databases (gnomAD no frequency). This sequence change results in a frameshift in the HOXB13 gene (p.Leu255Glnfs*68). While this is not anticipated to result in nonsense mediated decay, it is expected to disrupt the last 30 amino acid(s) of the HOXB13 protein and extend the protein by 37 additional amino acid residues.

Laboratory for Genotyping Development, RIKEN
Classification: Pathogenic for Gastric cancer. Last evaluated: 2021-07-01. Review status: no assertion criteria provided. Collection method: research. Allele origin: germline. Not counted in ClinVar's aggregate classification.

Literature cited by the submitters: PubMed 36988593 (cited by Laboratory for Genotyping Development, RIKEN).

NM_006361.6(HOXB13):c.760_763dup (p.Leu255fs)

Gene: HOXB13 (homeobox B13; minus strand). Cytogenetic location: 17q21.32.
Variant type: Duplication.
Coding change: c.760_763dup on transcript NM_006361.6 (MANE Select); coding-DNA positions 760 to 763, 4 bases duplicated (AGCC; older notation c.760_763dupAGCC).
Protein change: p.Leu255fs; shifts the reading frame from leucine 255.
Molecular consequence: frameshift variant.
Genome position (GRCh38, 1-based): chr17:48,726,882-48,726,885, GGCT duplicated on the plus strand (AGCC on the coding strand, the reverse complement: HOXB13 is on the minus strand); duplicating any 4 consecutive bases within chr17:48,726,882-48,726,887 gives the same sequence; the c. name uses the placement nearest the transcript's 3' end. VCF-style (leftmost placement, unchanged base first): chr17-48726881-A-AGGCT. GRCh37 (hg19) VCF-style: chr17-46804243-A-AGGCT.
Other names: c.760_763dupAGCC (NM_006361.5); short protein forms L255fs.
Identifiers: ClinVar variation 1801594 (VCV001801594.16), dbSNP rs2509512953, ClinGen allele CA2580094100.